The following is an entry in ClinVar:

ClinVar aggregate classification (germline): Uncertain significance (1 of 4 stars; one submission).

Conditions:
Nephronophthisis. Also called: Juvenile Nephronophthisis. Identifiers: Orphanet 655, MedGen C0687120, MONDO:0019005, HP:0000090.

Allele frequency attached by ClinVar (database versions not stated): ExAC 0.00002; gnomAD 0.00002; gnomAD exomes 0.00005; TOPMed 0.00005.
gnomAD v4.1: 66 of 1,609,386 alleles (0.0041%); highest among the groups gnomAD compares: Admixed American, 0.01%; no homozygotes.

Submission:

Labcorp Genetics (formerly Invitae), Labcorp
Classification: Uncertain significance for Nephronophthisis. Last evaluated: 2021-12-19. Review status: criteria provided, single submitter. Criteria: Invitae Variant Classification Sherloc (09022015). Collection method: clinical testing. Allele origin: germline.
Comment: In summary, the available evidence is currently insufficient to determine the role of this variant in disease. Therefore, it has been classified as a Variant of Uncertain Significance. Variants that disrupt the consensus splice site are a relatively common cause of aberrant splicing (PMID: 17576681, 9536098). Algorithms developed to predict the effect of sequence changes on RNA splicing suggest that this variant may disrupt the consensus splice site. This variant has not been reported in the literature in individuals affected with NPHP4-related conditions. This variant is present in population databases (rs753536396, gnomAD 0.01%). This sequence change falls in intron 15 of the NPHP4 gene. It does not directly change the encoded amino acid sequence of the NPHP4 protein. It affects a nucleotide within the consensus splice site.

Literature cited by the submitters: PubMed 17576681; PubMed 9536098.

NM_015102.5(NPHP4):c.1955+3A>G

Gene: NPHP4 (nephrocystin 4; minus strand). Cytogenetic location: 1p36.31.
Variant type: single nucleotide variant.
Coding change: c.1955+3A>G on transcript NM_015102.5 (MANE Select); 3 bases into the intron after coding-DNA position 1955, A replaced by G.
Molecular consequence: intron variant.
Genome position (GRCh38, 1-based): chr1:5,905,289, T>C on the plus strand (A>G on the coding strand, the complement: NPHP4 is on the minus strand). VCF-style: chr1-5905289-T-C. GRCh37 (hg19) VCF-style: chr1-5965349-T-C.
Other names: c.419+3A>G (NM_001291594.2); c.416+3A>G (NM_001291593.2).
Identifiers: ClinVar variation 2168372 (VCV002168372.4), dbSNP rs753536396, ClinGen allele CA554330.